The following is an entry in ClinVar:

NM_001281740.3(FHOD3):c.1269C>T (p.Ser423=)

Gene: FHOD3 (formin homology 2 domain containing 3; plus strand). Cytogenetic location: 18q12.2.
Variant type: single nucleotide variant.
Coding change: c.1269C>T on transcript NM_001281740.3 (MANE Select); coding-DNA position 1269, C replaced by T.
Protein change: p.Ser423=; no amino-acid change (serine 423 retained).
Molecular consequence: synonymous variant. On other transcripts: intron variant (2).
Genome position (GRCh38, 1-based): chr18:36,649,388, C>T. VCF-style: chr18-36649388-C-T. GRCh37 (hg19) VCF-style: chr18-34229351-C-T.
Other names: c.1197-8687C>T (NM_025135.5, NM_001281739.3); c.1269C>T (NM_001281740.2).
Identifiers: ClinVar variation 4938738 (VCV004938738.2).

ClinVar aggregate classification (germline): Likely benign. Review status: criteria provided, multiple submitters, no conflicts (2 of 4 stars). 2 submissions from 2 submitters: Likely benign (2). Last evaluated 2026-09-25.

Conditions:
FHOD3-related disorder. Also called: FHOD3-related condition.

gnomAD v4.1: 44 of 1,535,592 alleles (0.0029%); highest among the groups gnomAD compares: Admixed American, 0.051%; 1 homozygote.

Submissions (2):

PreventionGenetics, part of Exact Sciences
Classification: Likely benign for FHOD3-related condition. Last evaluated: 2026-09-25. Review status: criteria provided, single submitter. Criteria: ACMG Guidelines, 2015. Collection method: clinical testing. Allele origin: germline.
Comment: This variant is classified as likely benign based on ACMG/AMP sequence variant interpretation guidelines (Richards et al. 2015 PMID: 25741868, with internal and published modifications).

Blueprint Genetics
Classification: Likely benign. Last evaluated: 2022-09-29. Review status: criteria provided, single submitter. Criteria: ACMG Guidelines, 2015. Collection method: clinical testing. Allele origin: germline.